The following is an entry in ClinVar:

ClinVar aggregate classification (germline): Likely benign (1 of 4 stars; one submission).

Submission:

CeGaT Center for Human Genetics Tuebingen
Classification: Likely benign. Last evaluated: 2026-06-01. Review status: criteria provided, single submitter. Criteria: CeGaT Center For Human Genetics Tuebingen Variant Classification Criteria Version 2. Collection method: clinical testing. Allele origin: germline. Affected: yes. Observed: 1 variant allele.
Comment: MUC5B: BP4

NM_002458.3(MUC5B):c.13192G>A (p.Ala4398Thr)

Gene: MUC5B (mucin 5B, oligomeric mucus/gel-forming; plus strand). Cytogenetic location: 11p15.5.
Variant type: single nucleotide variant.
Coding change: c.13192G>A on transcript NM_002458.3 (MANE Select); coding-DNA position 13192, G replaced by A.
Protein change: p.Ala4398Thr; replaces alanine 4398 with threonine.
Molecular consequence: missense variant.
Genome position (GRCh38, 1-based): chr11:1,250,072, G>A. VCF-style: chr11-1250072-G-A. GRCh37 (hg19) VCF-style: chr11-1271302-G-A.
Other names: short protein forms A4398T.
Identifiers: ClinVar variation 4872038 (VCV004872038.2).